The following is an entry in ClinVar:

ClinVar aggregate classification (germline): Uncertain significance. Review status: criteria provided, multiple submitters, no conflicts (2 of 4 stars). 2 submissions from 2 submitters: Uncertain significance (2). Last evaluated 2023-10-17.

Conditions:
Inborn genetic diseases. Identifiers: MedGen C0950123, MeSH D030342.
Hereditary spastic paraplegia 54. Also called: Spastic paraplegia 54, autosomal recessive. Identifiers: Orphanet 320380, MedGen C3539495, MONDO:0014018, OMIM 615033.

Allele frequency attached by ClinVar (database versions not stated): gnomAD 0.00001; ExAC 0.00003; gnomAD exomes 0.00003; TOPMed 0.00003; 1000 Genomes Project 30x 0.00016; 1000 Genomes Project 0.00020.
gnomAD v4.1: 42 of 1,614,086 alleles (0.0026%); highest among the groups gnomAD compares: Admixed American, 0.01%; no homozygotes.

Submissions (2):

Ambry Genetics
Classification: Uncertain significance for Inborn genetic diseases. Last evaluated: 2023-10-17. Review status: criteria provided, single submitter. Criteria: Ambry Variant Classification Scheme 2023. Collection method: clinical testing. Allele origin: germline.

Labcorp Genetics (formerly Invitae), Labcorp
Classification: Uncertain significance for Hereditary spastic paraplegia 54. Last evaluated: 2022-08-15. Review status: criteria provided, single submitter. Criteria: Invitae Variant Classification Sherloc (09022015). Collection method: clinical testing. Allele origin: germline.
Comment: This sequence change replaces arginine, which is basic and polar, with glutamine, which is neutral and polar, at codon 329 of the DDHD2 protein (p.Arg329Gln). The frequency data for this variant in the population databases is considered unreliable, as metrics indicate poor data quality at this position in the gnomAD database. This variant has not been reported in the literature in individuals affected with DDHD2-related conditions. Algorithms developed to predict the effect of missense changes on protein structure and function are either unavailable or do not agree on the potential impact of this missense change (SIFT: "Tolerated"; PolyPhen-2: "Probably Damaging"; Align-GVGD: "Class C0"). In summary, the available evidence is currently insufficient to determine the role of this variant in disease. Therefore, it has been classified as a Variant of Uncertain Significance.

NM_015214.3(DDHD2):c.986G>A (p.Arg329Gln)

Gene: DDHD2 (DDHD domain containing 2; plus strand). Cytogenetic location: 8p11.23.
Variant type: single nucleotide variant.
Coding change: c.986G>A on transcript NM_015214.3 (MANE Select); coding-DNA position 986, G replaced by A.
Protein change: p.Arg329Gln; replaces arginine 329 with glutamine.
Molecular consequence: missense variant. On other transcripts: non-coding transcript variant (2).
Genome position (GRCh38, 1-based): chr8:38,245,879, G>A. VCF-style: chr8-38245879-G-A. GRCh37 (hg19) VCF-style: chr8-38103397-G-A.
Other names: c.986G>A, p.Arg329Gln (NM_001164232.2, NM_001362911.2, NM_001362912.2 and 1 more transcripts); c.896G>A, p.Arg299Gln (NM_001362913.2); c.986G>A (NM_015214.2); short protein forms R329Q, R299Q.
Identifiers: ClinVar variation 2190427 (VCV002190427.2), dbSNP rs552644015, ClinGen allele CA4716130.